The following is an entry in ClinVar:

NM_014844.5(TECPR2):c.1360C>T (p.Gln454Ter)

Gene: TECPR2 (tectonin beta-propeller repeat containing 2; plus strand). Cytogenetic location: 14q32.31.
Variant type: single nucleotide variant.
Coding change: c.1360C>T on transcript NM_014844.5 (MANE Select); coding-DNA position 1360, C replaced by T.
Protein change: p.Gln454Ter; replaces glutamine 454 with a stop codon.
Molecular consequence: nonsense.
Genome position (GRCh38, 1-based): chr14:102,432,071, C>T. VCF-style: chr14-102432071-C-T. GRCh37 (hg19) VCF-style: chr14-102898408-C-T.
Other names: c.1360C>T, p.Gln454Ter (NM_001172631.3); short protein forms Q454*.
Identifiers: ClinVar variation 2094947 (VCV002094947.5), dbSNP rs2504418131, ClinGen allele CA391055921.

ClinVar aggregate classification (germline): Pathogenic. Review status: criteria provided, multiple submitters, no conflicts (2 of 4 stars). 2 submissions from 2 submitters: Pathogenic (2). Last evaluated 2026-06-28.

Conditions:
Hereditary spastic paraplegia 49 (HSAN9). Also called: Spastic paraplegia 49, autosomal recessive; NEUROPATHY, HEREDITARY SENSORY AND AUTONOMIC, TYPE IX, WITH DEVELOPMENTAL DELAY; TECPR2-Related Hereditary Sensory and Autonomic Neuropathy with Intellectual Disability. Identifiers: Orphanet 320385, MedGen C5190860, MONDO:0014016, OMIM 615031.

Allele frequency attached by ClinVar (database versions not stated): gnomAD exomes below 0.00001.

Submissions (2):

Myriad Genetics, Inc.
Classification: Pathogenic for Hereditary spastic paraplegia 49. Last evaluated: 2026-06-28. Review status: criteria provided, single submitter. Criteria: Myriad Autosomal Dominant, Autosomal Recessive and X-Linked Classification Criteria (2023). Collection method: clinical testing. Allele origin: unknown.
Comment: NM_014844.3(TECPR2):c.1360C>T(Q454*) is a nonsense variant classified as pathogenic in the context of spastic paraplegia, TECPR2-related. Q454* has not been observed in cases with relevant disease. Relevant functional assessments of this variant are not available in the literature. Q454* has not been observed in referenced population frequency databases. In summary, NM_014844.3(TECPR2):c.1360C>T(Q454*) is a nonsense variant in a gene where loss of function is a known mechanism of disease and is predicted to disrupt protein function. Please note: this variant was assessed in the context of healthy population screening.

Labcorp Genetics (formerly Invitae), Labcorp
Classification: Pathogenic for Hereditary spastic paraplegia 49. Last evaluated: 2026-01-12. Review status: criteria provided, single submitter. Criteria: Invitae Variant Classification Sherloc (09022015). Collection method: clinical testing. Allele origin: germline.
Comment: This sequence change creates a premature translational stop signal (p.Gln454*) in the TECPR2 gene. It is expected to result in an absent or disrupted protein product. Loss-of-function variants in TECPR2 are known to be pathogenic (PMID: 23176824, 25590979). This variant is not present in population databases (gnomAD no frequency). This variant has not been reported in the literature in individuals affected with TECPR2-related conditions. ClinVar contains an entry for this variant (Variation ID: 2094947). For these reasons, this variant has been classified as Pathogenic.

Literature cited by the submitters: PubMed 23176824 (cited by Labcorp Genetics (formerly Invitae), Labcorp); PubMed 25590979 (cited by Labcorp Genetics (formerly Invitae), Labcorp).